The following is an entry in ClinVar:

NM_001376.5(DYNC1H1):c.7677G>A (p.Thr2559=)

Gene: DYNC1H1 (dynein cytoplasmic 1 heavy chain 1; plus strand). Cytogenetic location: 14q32.31.
Variant type: single nucleotide variant.
Coding change: c.7677G>A on transcript NM_001376.5 (MANE Select); coding-DNA position 7677, G replaced by A.
Protein change: p.Thr2559=; no amino-acid change (threonine 2559 retained).
Molecular consequence: synonymous variant.
Genome position (GRCh38, 1-based): chr14:102,016,828, G>A. VCF-style: chr14-102016828-G-A. GRCh37 (hg19) VCF-style: chr14-102483165-G-A.
Identifiers: ClinVar variation 2187090 (VCV002187090.6), dbSNP rs1407351808, ClinGen allele CA488184858.

ClinVar aggregate classification (germline): Likely benign. Review status: criteria provided, multiple submitters, no conflicts (2 of 4 stars). 3 submissions from 3 submitters: Likely benign (3). Last evaluated 2026-04-06.

Conditions:
DYNC1H1-related disorder. Also called: DYNC1H1-related condition; DYNC1H1-related disorders. Identifiers: MedGen CN381529.
Charcot-Marie-Tooth disease axonal type 2O. Also called: Charcot-Marie-Tooth disease, axonal, type 20; CHARCOT-MARIE-TOOTH NEUROPATHY, AXONAL, TYPE 2O; CHARCOT-MARIE-TOOTH DISEASE, AXONAL, AUTOSOMAL DOMINANT, TYPE 2O; Charcot-Marie-Tooth Neuropathy Type 2O. Identifiers: Orphanet 284232, MedGen C3280220, MONDO:0013644, OMIM 614228.

Allele frequency attached by ClinVar (database versions not stated): gnomAD 0.00001; gnomAD exomes 0.00001; TOPMed 0.00001.
gnomAD v4.1: 17 of 1,613,912 alleles (0.0011%); highest among the groups gnomAD compares: African/African-American, 0.0067%; no homozygotes.

Submissions (3):

PreventionGenetics, part of Exact Sciences
Classification: Likely benign for DYNC1H1-related condition. Last evaluated: 2026-04-06. Review status: criteria provided, single submitter. Criteria: ACMG Guidelines, 2015. Collection method: clinical testing. Allele origin: germline.
Comment: This variant is classified as likely benign based on ACMG/AMP sequence variant interpretation guidelines (Richards et al. 2015 PMID: 25741868, with internal and published modifications).

Labcorp Genetics (formerly Invitae), Labcorp
Classification: Likely benign for Charcot-Marie-Tooth disease axonal type 2O. Last evaluated: 2025-11-02. Review status: criteria provided, single submitter. Criteria: Invitae Variant Classification Sherloc (09022015). Collection method: clinical testing. Allele origin: germline.

Blueprint Genetics
Classification: Likely benign. Last evaluated: 2021-07-29. Review status: criteria provided, single submitter. Criteria: ACMG Guidelines, 2015. Collection method: clinical testing. Allele origin: germline.